The following is an entry in ClinVar:

NM_000487.6(ARSA):c.1052C>T (p.Pro351Leu)

Gene: ARSA (arylsulfatase A; minus strand). Cytogenetic location: 22q13.33.
Variant type: single nucleotide variant.
Coding change: c.1052C>T on transcript NM_000487.6 (MANE Select); coding-DNA position 1052, C replaced by T.
Protein change: p.Pro351Leu; replaces proline 351 with leucine.
Molecular consequence: missense variant.
Genome position (GRCh38, 1-based): chr22:50,625,991, G>A on the plus strand (C>T on the coding strand, the complement: ARSA is on the minus strand). VCF-style: chr22-50625991-G-A. GRCh37 (hg19) VCF-style: chr22-51064419-G-A.
Other names: c.1052C>T, p.Pro351Leu (NM_001085425.3, NM_001085426.3, NM_001085427.3); c.794C>T, p.Pro265Leu (NM_001085428.3, NM_001362782.2); short protein forms P265L, P351L.
Identifiers: ClinVar variation 2186421 (VCV002186421.3), dbSNP rs1463815330, ClinGen allele CA412171800.

ClinVar aggregate classification (germline): Uncertain significance (1 of 4 stars; one submission).

Conditions:
Metachromatic leukodystrophy (MLD). Also called: ARSA DEFICIENCY; SULFATIDE LIPIDOSIS; Cerebral sclerosis diffuse metachromatic form; CEREBROSIDE SULFATASE DEFICIENCY; Arylsulfatase A Deficiency; METACHROMATIC LEUKOENCEPHALOPATHY. Identifiers: Orphanet 512, MedGen C0023522, MONDO:0018868, OMIM 250100.

Submission:

Labcorp Genetics (formerly Invitae), Labcorp
Classification: Uncertain significance for Metachromatic leukodystrophy. Last evaluated: 2022-07-05. Review status: criteria provided, single submitter. Criteria: Invitae Variant Classification Sherloc (09022015). Collection method: clinical testing. Allele origin: germline.
Comment: This sequence change replaces proline, which is neutral and non-polar, with leucine, which is neutral and non-polar, at codon 351 of the ARSA protein (p.Pro351Leu). In summary, the available evidence is currently insufficient to determine the role of this variant in disease. Therefore, it has been classified as a Variant of Uncertain Significance. Algorithms developed to predict the effect of missense changes on protein structure and function are either unavailable or do not agree on the potential impact of this missense change (SIFT: "Deleterious"; PolyPhen-2: "Probably Damaging"; Align-GVGD: "Class C0"). This variant has not been reported in the literature in individuals affected with ARSA-related conditions. This variant is not present in population databases (gnomAD no frequency).